The following is an entry in ClinVar:

NM_001111125.3(IQSEC2):c.2680G>A (p.Asp894Asn)

Gene: IQSEC2 (IQ motif and Sec7 domain ArfGEF 2; minus strand). Cytogenetic location: Xp11.22.
Variant type: single nucleotide variant.
Coding change: c.2680G>A on transcript NM_001111125.3 (MANE Select); coding-DNA position 2680, G replaced by A.
Protein change: p.Asp894Asn; replaces aspartic acid 894 with asparagine.
Molecular consequence: missense variant.
Genome position (GRCh38, 1-based): chrX:53,247,038, C>T on the plus strand (G>A on the coding strand, the complement: IQSEC2 is on the minus strand). VCF-style: chrX-53247038-C-T. GRCh37 (hg19) VCF-style: chrX-53276220-C-T.
Other names: c.2065G>A, p.Asp689Asn (NM_015075.2); short protein forms D689N, D894N.
Identifiers: ClinVar variation 800659 (VCV000800659.10), dbSNP rs1602277527, ClinGen allele CA413155760.

ClinVar aggregate classification (germline): Uncertain significance. Review status: criteria provided, multiple submitters, no conflicts (2 of 4 stars). 4 submissions from 4 submitters: Uncertain significance (4). Last evaluated 2022-11-18.

Conditions:
Intellectual developmental disorder, X-linked 1. Also called: Atkin Flaitz Patil Smith syndrome; MENTAL RETARDATION, X-LINKED 18; MENTAL RETARDATION, X-LINKED 78; Intellectual disability, X-linked 1. Identifiers: Orphanet 777, MedGen C2931498, MONDO:0010656, OMIM 309530.
Intellectual disability. Also called: Intellectual developmental disorder; Intellectual functioning disability; intellectual disabilities. Identifiers: MedGen C3714756, MeSH D008607, MONDO:0001071, HP:0001249.

Submissions (4):

Labcorp Genetics (formerly Invitae), Labcorp
Classification: Uncertain significance for Intellectual developmental disorder, X-linked 1. Last evaluated: 2022-11-18. Review status: criteria provided, single submitter. Criteria: Invitae Variant Classification Sherloc (09022015). Collection method: clinical testing. Allele origin: germline.
Comment: This sequence change replaces aspartic acid, which is acidic and polar, with asparagine, which is neutral and polar, at codon 894 of the IQSEC2 protein (p.Asp894Asn). This variant is not present in population databases (gnomAD no frequency). This variant has not been reported in the literature in individuals affected with IQSEC2-related conditions. ClinVar contains an entry for this variant (Variation ID: 800659). Advanced modeling of protein sequence and biophysical properties (such as structural, functional, and spatial information, amino acid conservation, physicochemical variation, residue mobility, and thermodynamic stability) performed at Invitae indicates that this missense variant is expected to disrupt IQSEC2 protein function. In summary, the available evidence is currently insufficient to determine the role of this variant in disease. Therefore, it has been classified as a Variant of Uncertain Significance.

Medical Genetics, University of Pavia
Classification: Uncertain significance for Intellectual disability. Last evaluated: 2019-12-13. Review status: criteria provided, single submitter. Criteria: ACMG Guidelines, 2015. Collection method: clinical testing. Allele origin: maternal. Inheritance: X-linked inheritance. Affected: yes. Observed: 1 hemizygote.

GeneDx
Classification: Uncertain significance. Last evaluated: 2019-05-06. Review status: criteria provided, single submitter. Criteria: GeneDx Variant Classification Process June 2021. Collection method: clinical testing. Allele origin: germline. Affected: yes.
Comment: Not observed in large population cohorts (Lek et al., 2016); In silico analysis, which includes protein predictors and evolutionary conservation, supports a deleterious effect; Has not been previously published as pathogenic or benign to our knowledge

Juno Genomics, Hangzhou Juno Genomics, Inc
Classification: Uncertain significance for Intellectual developmental disorder, X-linked 1. Review status: criteria provided, single submitter. Criteria: ACMG Guidelines, 2015. Collection method: clinical testing. Allele origin: germline. Affected: yes.
Comment: Absent from controls (or at extremely low frequency if recessive) in Genome Aggregation Database, Exome Sequencing Project, 1000 Genomes Project, or Exome Aggregation Consortium.;Multiple lines of computational evidence support a deleterious effect on the gene or gene product (conservation, evolutionary, splicing impact, etc).